The following is an entry in ClinVar:

NM_001126121.2(SLC25A19):c.154C>T (p.Arg52Cys)

Gene: SLC25A19 (solute carrier family 25 member 19; minus strand). Cytogenetic location: 17q25.1.
Variant type: single nucleotide variant.
Coding change: c.154C>T on transcript NM_001126121.2 (MANE Select); coding-DNA position 154, C replaced by T.
Protein change: p.Arg52Cys; replaces arginine 52 with cysteine.
Molecular consequence: missense variant.
Genome position (GRCh38, 1-based): chr17:75,286,438, G>A on the plus strand (C>T on the coding strand, the complement: SLC25A19 is on the minus strand). VCF-style: chr17-75286438-G-A. GRCh37 (hg19) VCF-style: chr17-73282519-G-A.
Other names: c.154C>T, p.Arg52Cys (NM_001126122.2, NM_021734.5); c.154C>T (NM_021734.4); short protein forms R52C.
Identifiers: ClinVar variation 2197937 (VCV002197937.5), dbSNP rs755619240, ClinGen allele CA8761077.

ClinVar aggregate classification (germline): Uncertain significance. Review status: criteria provided, multiple submitters, no conflicts (2 of 4 stars). 2 submissions from 2 submitters: Uncertain significance (2). Last evaluated 2022-11-07.

Conditions:
Inborn genetic diseases. Identifiers: MedGen C0950123, MeSH D030342.

Allele frequency attached by ClinVar (database versions not stated): gnomAD exomes 0.00001; ExAC 0.00002; TOPMed 0.00002.
gnomAD v4.1: 15 of 1,614,126 alleles (0.00093%); highest among the groups gnomAD compares: East Asian, 0.0067%; no homozygotes.

Submissions (2):

Ambry Genetics
Classification: Uncertain significance for Inborn genetic diseases. Last evaluated: 2022-11-07. Review status: criteria provided, single submitter. Criteria: Ambry Variant Classification Scheme 2023. Collection method: clinical testing. Allele origin: germline.

Labcorp Genetics (formerly Invitae), Labcorp
Classification: Uncertain significance. Last evaluated: 2022-06-16. Review status: criteria provided, single submitter. Criteria: Invitae Variant Classification Sherloc (09022015). Collection method: clinical testing. Allele origin: germline.
Comment: This sequence change replaces arginine, which is basic and polar, with cysteine, which is neutral and slightly polar, at codon 52 of the SLC25A19 protein (p.Arg52Cys). In summary, the available evidence is currently insufficient to determine the role of this variant in disease. Therefore, it has been classified as a Variant of Uncertain Significance. Algorithms developed to predict the effect of missense changes on protein structure and function (SIFT, PolyPhen-2, Align-GVGD) all suggest that this variant is likely to be tolerated. This variant has not been reported in the literature in individuals affected with SLC25A19-related conditions. This variant is present in population databases (rs755619240, gnomAD 0.006%).